The following is an entry in ClinVar:

NM_001267550.2(TTN):c.20138A>C (p.Lys6713Thr)

Genes: TTN (titin; minus strand), LOC126806429 (BRD4-independent group 4 enhancer GRCh37_chr2:179591393-179592592; plus strand). Cytogenetic location: 2q31.2.
Variant type: single nucleotide variant.
Coding change: c.20138A>C on transcript NM_001267550.2 (MANE Select); coding-DNA position 20138, A replaced by C.
Protein change: p.Lys6713Thr; replaces lysine 6713 with threonine.
Molecular consequence: missense variant. On other transcripts: intron variant (3).
Genome position (GRCh38, 1-based): chr2:178,727,227, T>G on the plus strand (A>C on the coding strand, the complement: TTN is on the minus strand). VCF-style: chr2-178727227-T-G. GRCh37 (hg19) VCF-style: chr2-179591954-T-G.
Other names: c.19187A>C, p.Lys6396Thr (NM_001256850.1); c.16406A>C, p.Lys5469Thr (NM_133378.4); c.13282+10855A>C (NM_003319.4); c.13858+10855A>C (NM_133437.4); c.13657+10855A>C (NM_133432.3); c.20138A>C (NM_001267550.1); short protein forms K5469T, K6396T, K6713T.
Identifiers: ClinVar variation 1284519 (VCV001284519.6), dbSNP rs1410340266, ClinGen allele CA349548830.

ClinVar aggregate classification (germline): Uncertain significance. Review status: criteria provided, multiple submitters, no conflicts (2 of 4 stars). 4 submissions from 4 submitters: Uncertain significance (2). 2 of the submissions do not count toward it. Last evaluated 2024-07-09.

Allele frequency attached by ClinVar (database versions not stated): gnomAD exomes below 0.00001.
gnomAD v4.1: 2 of 1,613,308 alleles (0.00012%); highest among the groups gnomAD compares: Non-Finnish European, 0.000085%; no homozygotes.

Submissions (4):

GeneDx
Classification: Uncertain significance. Last evaluated: 2024-07-09. Review status: criteria provided, single submitter. Criteria: GeneDx Variant Classification Process June 2021. Collection method: clinical testing. Allele origin: germline. Affected: yes.
Comment: Not observed at significant frequency in large population cohorts (gnomAD); Missense variant in a gene in which most reported pathogenic variants are truncating/loss of function; Has not been previously published as pathogenic or benign to our knowledge

Revvity Omics, Revvity
Classification: Uncertain significance. Last evaluated: 2024-03-21. Review status: criteria provided, single submitter. Criteria: ACMG Guidelines, 2015. Collection method: clinical testing. Allele origin: germline.

Clinical Genetics, Academic Medical Center
Classification: Uncertain significance. Review status: no assertion criteria provided. Collection method: clinical testing. Allele origin: germline. Affected: yes. Study: VKGL Data-share Consensus. Not counted in ClinVar's aggregate classification.

Joint Genome Diagnostic Labs from Nijmegen and Maastricht, Radboudumc and MUMC+
Classification: Uncertain significance. Review status: no assertion criteria provided. Collection method: clinical testing. Allele origin: germline. Affected: yes. Study: VKGL Data-share Consensus. Not counted in ClinVar's aggregate classification.